The following is an entry in ClinVar:

ClinVar aggregate classification (germline): Likely pathogenic. Review status: criteria provided, multiple submitters, no conflicts (2 of 4 stars). 2 submissions from 2 submitters: Likely pathogenic (2). Last evaluated 2024-08-07.

Conditions:
SYNE1-related disorder. Also called: SYNE1-related disorders; SYNE1-related disease; SYNE1-related condition.

Submissions (2):

Women's Health and Genetics/Laboratory Corporation of America, LabCorp
Classification: Likely pathogenic for SYNE1-Related Disorders. Last evaluated: 2024-08-07. Review status: criteria provided, single submitter. Criteria: LabCorp Variant Classification Summary - May 2015. Collection method: clinical testing. Allele origin: germline.
Comment: Variant summary: SYNE1 c.1371+2delT is located in a canonical splice-site and is predicted to affect mRNA splicing resulting in a significantly altered protein due to either exon skipping, shortening, or inclusion of intronic material. Variants that disrupt the consensus splice site are a relatively common cause of aberrant splicing and loss of SYNE1 function. Several computational tools predict a significant impact on normal splicing: Four predict the variant abolishes a 5' splicing donor site. However, these predictions have yet to be confirmed by functional studies. The variant was absent in 251448 control chromosomes. To our knowledge, no occurrence of c.1371+2delT in individuals affected with SYNE1-Related Disorders and no experimental evidence demonstrating its impact on protein function have been reported. No submitters have cited clinical-significance assessments for this variant to ClinVar. Based on the evidence outlined above, the variant was classified as likely pathogenic.

Blueprint Genetics
Classification: Likely pathogenic for SYNE1-related disorders. Last evaluated: 2023-05-02. Review status: criteria provided, single submitter. Criteria: ACMG Guidelines, 2015. Collection method: clinical testing. Allele origin: germline. Affected: yes. Observed: 5 variant alleles.

NM_182961.4(SYNE1):c.1350+2del

Gene: SYNE1 (spectrin repeat containing nuclear envelope protein 1; minus strand). Cytogenetic location: 6q25.2.
Variant type: Deletion.
Coding change: c.1350+2del on transcript NM_182961.4 (MANE Select); the canonical splice donor site of the intron after coding-DNA position 1350, one base deleted (T; older notation c.1350+2delT).
Molecular consequence: splice donor variant.
Genome position (GRCh38, 1-based): chr6:152,483,083, A deleted on the plus strand (T on the coding strand, the reverse complement: SYNE1 is on the minus strand). VCF-style (leftmost placement, unchanged base first): chr6-152483082-TA-T. GRCh37 (hg19) VCF-style: chr6-152804217-TA-T.
Other names: c.1371+2delT (NM_033071.5); c.1371+2del (NM_033071.5).
Identifiers: ClinVar variation 3366436 (VCV003366436.2).